The following is an entry in ClinVar:

GRCh37/hg19 20q13.33(chr20:61602951-62070966)x1

Genes: ARFGAP1 (ARF GTPase activating protein 1; plus strand), BHLHE23 (basic helix-loop-helix family member e23; minus strand), BIRC7 (baculoviral IAP repeat containing 7; plus strand), CHRNA4 (cholinergic receptor nicotinic alpha 4 subunit; minus strand), COL20A1 (collagen type XX alpha 1 chain; plus strand) and 5 more. Cytogenetic location: 20q13.33.
Variant type: copy number loss.
Change: copy number 1 (one copy instead of two) of chr20:61,602,951-62,070,966 (468.0 kb, GRCh37 coordinates, 1-based), cytogenetic band 20q13.33.
Identifiers: ClinVar variation 3391940 (VCV003391940.1).

ClinVar aggregate classification (germline): Pathogenic (1 of 4 stars; one submission).

Submission:

Quest Diagnostics Nichols Institute San Juan Capistrano
Classification: Pathogenic. Last evaluated: 2023-08-23. Review status: criteria provided, single submitter. Criteria: ACMG/ClinGen CNV Guidelines, 2019. Collection method: clinical testing. Allele origin: unknown.
Comment: This copy number loss involves multiple protein-coding genes, including CHRNA4 (OMIM 118504) and KCNQ2 (OMIM 602235; multiple exons of the 3’ portion of NM_172107.4). Haploinsufficiency of KCNQ2 is associated with autosomal dominant benign familial neonatal seizures-1 (BFNS1; OMIM 121200; CCID:007356). Similar deletions of the 3’ portion of KCNQ2 have been reported in multiple families with phenotypic features of BFNS (Singh 1998, Singh 2003, Kurahashi 2009, Zara 2013). There are no similar copy number losses fully spanning this region in the general populations of the Database of Genomic Variants. Therefore, this CNV is classified as pathogenic. References: Kim et al., Genes Brain Behav. 2020 Jan;19(1):e12599. PMID: 31283873; Kurahashi et al., Neurology. 2009 Oct 13;73(15):1214-7. PMID: 19822871; Malerba et al., Neurol Genet. 2020 Nov 30;6(6):e528. PMID: 33659638; Mary et al., Am J Med Genet A. 2021 Jun;185(6):1803-1815. PMID: 33754465; Singh et al., Nat Genet. 1998 Jan;18(1):25-9. PMID: 9425895; Singh et al., Brain. 2003 Dec;126(Pt 12):2726-37. PMID: 14534157; Siracusano et al., Pediatr Rep. 2022 Apr 24;14(2):200-206. PMID: 35645364; Zara et al., Epilepsia. 2013 Mar;54(3):425-36. PMID: 23360469